The following is an entry in ClinVar:

NM_000435.3(NOTCH3):c.5354G>A (p.Arg1785His)

Gene: NOTCH3 (notch receptor 3; minus strand). Cytogenetic location: 19p13.12.
Variant type: single nucleotide variant.
Coding change: c.5354G>A on transcript NM_000435.3 (MANE Select); coding-DNA position 5354, G replaced by A.
Protein change: p.Arg1785His; replaces arginine 1785 with histidine.
Molecular consequence: missense variant.
Genome position (GRCh38, 1-based): chr19:15,167,257, C>T on the plus strand (G>A on the coding strand, the complement: NOTCH3 is on the minus strand). VCF-style: chr19-15167257-C-T. GRCh37 (hg19) VCF-style: chr19-15278068-C-T.
Other names: p.Arg1785His; short protein forms R1785H.
Identifiers: ClinVar variation 4542316 (VCV004542316.2).

ClinVar aggregate classification (germline): Uncertain significance. Review status: criteria provided, multiple submitters, no conflicts (2 of 4 stars). 2 submissions from 2 submitters: Uncertain significance (2). Last evaluated 2025-09-24.

gnomAD v4.1: 8 of 1,612,508 alleles (0.0005%); highest among the groups gnomAD compares: Non-Finnish European, 0.00051%; no homozygotes.

Submissions (2):

Labcorp Genetics (formerly Invitae), Labcorp
Classification: Uncertain significance. Last evaluated: 2025-09-24. Review status: criteria provided, single submitter. Criteria: Invitae Variant Classification Sherloc (09022015). Collection method: clinical testing. Allele origin: germline.
Comment: This sequence change replaces arginine, which is basic and polar, with histidine, which is basic and polar, at codon 1785 of the NOTCH3 protein (p.Arg1785His). This variant is present in population databases (rs747646930, gnomAD 0.005%). This variant has not been reported in the literature in individuals affected with NOTCH3-related conditions. Invitae Evidence Modeling of protein sequence and biophysical properties (such as structural, functional, and spatial information, amino acid conservation, physicochemical variation, residue mobility, and thermodynamic stability) indicates that this missense variant is not expected to disrupt NOTCH3 protein function with a negative predictive value of 95%. In summary, the available evidence is currently insufficient to determine the role of this variant in disease. Therefore, it has been classified as a Variant of Uncertain Significance.

Mayo Clinic Laboratories, Mayo Clinic
Classification: Uncertain significance. Last evaluated: 2025-07-17. Review status: criteria provided, single submitter. Criteria: ACMG Guidelines, 2015. Collection method: clinical testing. Allele origin: germline. Observed: 1 variant allele.
Comment: BP1, BP4, PM2_supporting